The following is an entry in ClinVar:

NM_006302.3(MOGS):c.1588G>A (p.Asp530Asn)

Gene: MOGS (mannosyl-oligosaccharide glucosidase; minus strand). Cytogenetic location: 2p13.1.
Variant type: single nucleotide variant.
Coding change: c.1588G>A on transcript NM_006302.3 (MANE Select); coding-DNA position 1588, G replaced by A.
Protein change: p.Asp530Asn; replaces aspartic acid 530 with asparagine.
Molecular consequence: missense variant.
Genome position (GRCh38, 1-based): chr2:74,462,201, C>T on the plus strand (G>A on the coding strand, the complement: MOGS is on the minus strand). VCF-style: chr2-74462201-C-T. GRCh37 (hg19) VCF-style: chr2-74689328-C-T.
Other names: c.1270G>A, p.Asp424Asn (NM_001146158.2); short protein forms D530N, D424N.
Identifiers: ClinVar variation 942526 (VCV000942526.7), dbSNP rs749160883, ClinGen allele CA1724757.

ClinVar aggregate classification (germline): Uncertain significance. Review status: criteria provided, multiple submitters, no conflicts (2 of 4 stars). 2 submissions from 2 submitters: Uncertain significance (2). Last evaluated 2025-04-16.

Conditions:
Inborn genetic diseases. Identifiers: MedGen C0950123, MeSH D030342.
MOGS-congenital disorder of glycosylation. Also called: MOGS-CDG; GLUCOSIDASE I DEFICIENCY; CDG IIb; CDG 2B. Identifiers: Orphanet 79330, MedGen C1853736, MONDO:0011629, OMIM 606056.

Allele frequency attached by ClinVar (database versions not stated): gnomAD 0.00003 and 0.00004; TOPMed 0.00005; ExAC 0.00009; gnomAD exomes 0.00009.

Submissions (2):

Ambry Genetics
Classification: Uncertain significance for Inborn genetic diseases. Last evaluated: 2025-04-16. Review status: criteria provided, single submitter. Criteria: Ambry Variant Classification Scheme 2023. Collection method: clinical testing. Allele origin: germline.

Labcorp Genetics (formerly Invitae), Labcorp
Classification: Uncertain significance for MOGS-congenital disorder of glycosylation. Last evaluated: 2025-01-09. Review status: criteria provided, single submitter. Criteria: Invitae Variant Classification Sherloc (09022015). Collection method: clinical testing. Allele origin: germline.
Comment: This sequence change replaces aspartic acid, which is acidic and polar, with asparagine, which is neutral and polar, at codon 530 of the MOGS protein (p.Asp530Asn). This variant is present in population databases (rs749160883, gnomAD 0.07%). This variant has not been reported in the literature in individuals affected with MOGS-related conditions. ClinVar contains an entry for this variant (Variation ID: 942526). Invitae Evidence Modeling of protein sequence and biophysical properties (such as structural, functional, and spatial information, amino acid conservation, physicochemical variation, residue mobility, and thermodynamic stability) indicates that this missense variant is not expected to disrupt MOGS protein function with a negative predictive value of 80%. In summary, the available evidence is currently insufficient to determine the role of this variant in disease. Therefore, it has been classified as a Variant of Uncertain Significance.